The following is an entry in ClinVar:

ClinVar aggregate classification (germline): Uncertain significance (1 of 4 stars; one submission).

Conditions:
Emery-Dreifuss muscular dystrophy 5, autosomal dominant (EDMD5). Also called: EMERY-DREIFUSS MUSCULAR DYSTROPHY 5. Identifiers: Orphanet 261, MedGen C2751805, MONDO:0013072, OMIM 612999.

Allele frequency attached by ClinVar (database versions not stated): gnomAD exomes below 0.00001.
gnomAD v4.1: 1 of 1,614,016 alleles (0.000062%); highest among the groups gnomAD compares: East Asian, 0.0022%; no homozygotes.

Submission:

Labcorp Genetics (formerly Invitae), Labcorp
Classification: Uncertain significance for Emery-Dreifuss muscular dystrophy 5, autosomal dominant. Last evaluated: 2022-09-07. Review status: criteria provided, single submitter. Criteria: Invitae Variant Classification Sherloc (09022015). Collection method: clinical testing. Allele origin: germline.
Comment: In summary, the available evidence is currently insufficient to determine the role of this variant in disease. Therefore, it has been classified as a Variant of Uncertain Significance. ClinVar contains an entry for this variant (Variation ID: 655533). This variant has not been reported in the literature in individuals affected with SYNE2-related conditions. This variant is present in population databases (no rsID available, gnomAD 0.006%). This sequence change creates a premature translational stop signal (p.Gln4412*) in the SYNE2 gene. It is expected to result in an absent or disrupted protein product. However, the current clinical and genetic evidence is not sufficient to establish whether loss-of-function variants in SYNE2 cause disease.

NM_182914.3(SYNE2):c.13234C>T (p.Gln4412Ter)

Gene: SYNE2 (spectrin repeat containing nuclear envelope protein 2; plus strand). Cytogenetic location: 14q23.2.
Variant type: single nucleotide variant.
Coding change: c.13234C>T on transcript NM_182914.3 (MANE Select); coding-DNA position 13234, C replaced by T.
Protein change: p.Gln4412Ter; replaces glutamine 4412 with a stop codon.
Molecular consequence: nonsense.
Genome position (GRCh38, 1-based): chr14:64,122,087, C>T. VCF-style: chr14-64122087-C-T. GRCh37 (hg19) VCF-style: chr14-64588805-C-T.
Other names: c.13234C>T, p.Gln4412Ter (NM_015180.6); short protein forms Q4412*.
Identifiers: ClinVar variation 655533 (VCV000655533.8), dbSNP rs1427446795, ClinGen allele CA389963240.